The following is an entry in ClinVar:

NM_020971.3(SPTBN4):c.1511G>A (p.Arg504Gln)

Gene: SPTBN4 (spectrin beta, non-erythrocytic 4; plus strand). Cytogenetic location: 19q13.2.
Variant type: single nucleotide variant.
Coding change: c.1511G>A on transcript NM_020971.3 (MANE Select); coding-DNA position 1511, G replaced by A.
Protein change: p.Arg504Gln; replaces arginine 504 with glutamine.
Molecular consequence: missense variant.
Genome position (GRCh38, 1-based): chr19:40,503,978, G>A. VCF-style: chr19-40503978-G-A. GRCh37 (hg19) VCF-style: chr19-41009885-G-A.
Other names: short protein forms R504Q.
Identifiers: ClinVar variation 559547 (VCV000559547.3), dbSNP rs765087147, ClinGen allele CA9445660.

ClinVar aggregate classification (germline): Uncertain significance. Review status: criteria provided, single submitter (1 of 4 stars). 2 submissions from 2 submitters: Uncertain significance (1). 1 of the submissions does not count toward it. Last evaluated 2022-04-07.

Conditions:
Neurodevelopmental disorder with hypotonia, neuropathy, and deafness (NEDHND). Also called: Myopathy, congenital, with neuropathy and deafness; SPTBN4 Disorder. Identifiers: MedGen C4479603, MONDO:0060496, OMIM 617519.
Inborn genetic diseases. Identifiers: MedGen C0950123, MeSH D030342.

Allele frequency attached by ClinVar (database versions not stated): gnomAD 0.00001; gnomAD exomes 0.00002 and 0.00007; TOPMed 0.00002; ExAC 0.00006.

Submissions (2):

Ambry Genetics
Classification: Uncertain significance for Inborn genetic diseases. Last evaluated: 2022-04-07. Review status: criteria provided, single submitter. Criteria: Ambry Variant Classification Scheme 2023. Collection method: clinical testing. Allele origin: germline.
Comment: Wang, 2018 Based on insufficient or conflicting evidence, the clinical significance of this alteration remains unclear.

OMIM
Classification: Pathogenic for NEURODEVELOPMENTAL DISORDER WITH HYPOTONIA, NEUROPATHY, AND DEAFNESS. Last evaluated: 2018-08-13. Review status: no assertion criteria provided. Collection method: literature only. Allele origin: germline. Not counted in ClinVar's aggregate classification.

Literature cited by the submitters: PubMed 29861105 (cited by Ambry Genetics and OMIM); PubMed 34440880 (cited by Ambry Genetics).